The following is an entry in ClinVar:

ClinVar aggregate classification (germline): Likely pathogenic (1 of 4 stars; one submission).

Allele frequency attached by ClinVar (database versions not stated): TOPMed below 0.00001; gnomAD exomes below 0.00001.
gnomAD v4.1: 2 of 1,607,696 alleles (0.00012%); highest among the groups gnomAD compares: Non-Finnish European, 0.000085%; no homozygotes.

Submission:

GeneDx
Classification: Likely pathogenic. Last evaluated: 2016-09-14. Review status: criteria provided, single submitter. Criteria: GeneDx Variant Classification (06012015). Collection method: clinical testing. Allele origin: germline. Affected: yes.
Comment: The R142X variant in the ATP8A2 gene has not been reported previously as a pathogenic variant nor as a benign variant, to our knowledge. This variant is predicted to cause loss of normal protein function either through protein truncation or nonsense-mediated mRNA decay. The R142X variant was not observed in approximately 5,900 individuals of European and African American ancestry in the NHLBI Exome Sequencing Project, indicating it is not a common benign variant in these populations. We interpret R142X as a likely pathogenic variant.

NM_016529.6(ATP8A2):c.424C>T (p.Arg142Ter)

Gene: ATP8A2 (ATPase phospholipid transporting 8A2). Cytogenetic location: 13q12.13.
Variant type: single nucleotide variant.
Coding change: c.424C>T on transcript NM_016529.6 (MANE Select); coding-DNA position 424, C replaced by T.
Protein change: p.Arg142Ter; replaces arginine 142 with a stop codon.
Molecular consequence: nonsense.
Genome position (GRCh38, 1-based): chr13:25,532,275, C>T. VCF-style: chr13-25532275-C-T. GRCh37 (hg19) VCF-style: chr13-26106413-C-T.
Other names: c.304C>T, p.Arg102Ter (NM_001313741.1); short protein forms R142*, R102*.
Identifiers: ClinVar variation 422182 (VCV000422182.2), dbSNP rs1064795610, ClinGen allele CA16619624.